The following is an entry in ClinVar:

NM_004279.3(PMPCB):c.1133T>A (p.Leu378Gln)

Gene: PMPCB (peptidase, mitochondrial processing subunit beta; plus strand). Cytogenetic location: 7q22.1.
Variant type: single nucleotide variant.
Coding change: c.1133T>A on transcript NM_004279.3 (MANE Select); coding-DNA position 1133, T replaced by A.
Protein change: p.Leu378Gln; replaces leucine 378 with glutamine.
Molecular consequence: missense variant.
Genome position (GRCh38, 1-based): chr7:103,310,454, T>A. VCF-style: chr7-103310454-T-A. GRCh37 (hg19) VCF-style: chr7-102950901-T-A.
Other names: c.1133T>A, p.Leu378Gln (NM_001438231.1); short protein forms L378Q.
Identifiers: ClinVar variation 4532049 (VCV004532049.2).

ClinVar aggregate classification (germline): Uncertain significance. Review status: criteria provided, multiple submitters, no conflicts (2 of 4 stars). 2 submissions from 2 submitters: Uncertain significance (2). Last evaluated 2025-11-13.

Conditions:
Multiple mitochondrial dysfunctions syndrome 6. Identifiers: Orphanet 569290, MedGen C4693741, MONDO:0054785, OMIM 617954.

Submissions (2):

Victorian Clinical Genetics Services, Murdoch Childrens Research Institute
Classification: Uncertain significance for Multiple mitochondrial dysfunctions syndrome 6. Last evaluated: 2025-11-13. Review status: criteria provided, single submitter. Criteria: ACMG Guidelines, 2015. Collection method: clinical testing. Allele origin: germline. Affected: yes.
Comment: This variant is classified as VUS-3B. Evidence in support of pathogenic classification: Variant is absent from gnomAD (v2, v3 and v4). Additional information: Variant is predicted to result in a missense amino acid change from Leu to Gln; This variant is homozygous; This gene is associated with autosomal recessive disease; This variant has no previous evidence of pathogenicity; No published evidence of segregation with disease has been identified for this variant; No published functional evidence has been identified for this variant; No comparable missense variants have previous evidence for pathogenicity; Variant is located in the annotated peptidase M16 inactive domain (DECIPHER); Missense variant with inconclusive in silico prediction and uninformative conservation; Loss of function is a known mechanism of disease in this gene and is associated with multiple mitochondrial dysfunctions syndrome 6 (MIM#617954).

Blueprint Genetics
Classification: Uncertain significance. Last evaluated: 2024-10-25. Review status: criteria provided, single submitter. Criteria: ACMG Guidelines, 2015. Collection method: clinical testing. Allele origin: germline.